The following is an entry in ClinVar:

ClinVar aggregate classification (germline): Likely pathogenic (1 of 4 stars; one submission).

Allele frequency attached by ClinVar (database versions not stated): gnomAD exomes below 0.00001.
gnomAD v4.1: 1 of 1,551,478 alleles (0.000064%); highest among the groups gnomAD compares: East Asian, 0.0024%; no homozygotes.

Submission:

Labcorp Genetics (formerly Invitae), Labcorp
Classification: Likely pathogenic. Last evaluated: 2023-11-14. Review status: criteria provided, single submitter. Criteria: Invitae Variant Classification Sherloc (09022015). Collection method: clinical testing. Allele origin: germline.
Comment: This sequence change affects an acceptor splice site in intron 27 of the LOXHD1 gene. It is expected to disrupt RNA splicing. Variants that disrupt the donor or acceptor splice site typically lead to a loss of protein function (PMID: 16199547), and loss-of-function variants in LOXHD1 are known to be pathogenic (PMID: 19732867, 21465660, 25792669). This variant is present in population databases (no rsID available, gnomAD 0.002%). Disruption of this splice site has been observed in individual(s) with deafness (PMID: 31547530). ClinVar contains an entry for this variant (Variation ID: 1918192). Algorithms developed to predict the effect of sequence changes on RNA splicing suggest that this variant may disrupt the consensus splice site. In summary, the currently available evidence indicates that the variant is pathogenic, but additional data are needed to prove that conclusively. Therefore, this variant has been classified as Likely Pathogenic.

Literature cited by the submitters: PubMed 16199547; PubMed 19732867; PubMed 21465660; PubMed 25792669; PubMed 31547530.

NM_001384474.1(LOXHD1):c.4213-1G>A

Gene: LOXHD1 (lipoxygenase homology PLAT domains 1; minus strand). Cytogenetic location: 18q21.1.
Variant type: single nucleotide variant.
Coding change: c.4213-1G>A on transcript NM_001384474.1 (MANE Select); the canonical splice acceptor site of the intron before coding-DNA position 4213, G replaced by A.
Molecular consequence: splice acceptor variant.
Genome position (GRCh38, 1-based): chr18:46,533,325, C>T on the plus strand (G>A on the coding strand, the complement: LOXHD1 is on the minus strand). VCF-style: chr18-46533325-C-T. GRCh37 (hg19) VCF-style: chr18-44113288-C-T.
Other names: c.880-1G>A (NM_001145472.3); c.592-1G>A (NM_001308013.2); c.4213-1G>A (NM_144612.7).
Identifiers: ClinVar variation 1918192 (VCV001918192.5), dbSNP rs1246563058, ClinGen allele CA402375425.